The following is an entry in ClinVar:

NM_001042492.3(NF1):c.5435T>C (p.Phe1812Ser)

Gene: NF1 (neurofibromin 1; plus strand). Cytogenetic location: 17q11.2.
Variant type: single nucleotide variant.
Coding change: c.5435T>C on transcript NM_001042492.3 (MANE Select); coding-DNA position 5435, T replaced by C.
Protein change: p.Phe1812Ser; replaces phenylalanine 1812 with serine.
Molecular consequence: missense variant.
Genome position (GRCh38, 1-based): chr17:31,327,665, T>C. VCF-style: chr17-31327665-T-C. GRCh37 (hg19) VCF-style: chr17-29654683-T-C.
Other names: c.5372T>C, p.Phe1791Ser (NM_000267.4); short protein forms F1791S, F1812S.
Identifiers: ClinVar variation 3404920 (VCV003404920.1).

ClinVar aggregate classification (germline): Uncertain significance (1 of 4 stars; one submission).

Conditions:
Hereditary cancer-predisposing syndrome. Also called: Hereditary Cancer Syndrome; Tumor predisposition; Hereditary neoplastic syndrome; Neoplastic Syndromes, Hereditary. Identifiers: Orphanet 140162, MedGen C0027672, MeSH D009386, MONDO:0015356.
Cardiovascular phenotype. Identifiers: MedGen CN230736.

Submission:

Ambry Genetics
Classification: Uncertain significance for Cardiovascular phenotype; Hereditary cancer-predisposing syndrome. Last evaluated: 2024-11-15. Review status: criteria provided, single submitter. Criteria: Ambry Variant Classification Scheme 2023. Collection method: clinical testing. Allele origin: germline.
Comment: The p.F1791S variant (also known as c.5372T>C), located in coding exon 37 of the NF1 gene, results from a T to C substitution at nucleotide position 5372. The phenylalanine at codon 1791 is replaced by serine, an amino acid with highly dissimilar properties. This amino acid position is conserved. In addition, this alteration is predicted to be deleterious by in silico analysis. Based on the available evidence, the clinical significance of this variant remains unclear.